The following is an entry in ClinVar:

NM_001354761.2(ADD1):c.2202G>C (p.Glu734Asp)

Gene: ADD1 (adducin 1; plus strand). Cytogenetic location: 4p16.3.
Variant type: single nucleotide variant.
Coding change: c.2202G>C on transcript NM_001354761.2 (MANE Select); coding-DNA position 2202, G replaced by C.
Protein change: p.Glu734Asp; replaces glutamic acid 734 with aspartic acid.
Molecular consequence: missense variant. On other transcripts: 3 prime UTR variant (7).
Genome position (GRCh38, 1-based): chr4:2,928,325, G>C. VCF-style: chr4-2928325-G-C. GRCh37 (hg19) VCF-style: chr4-2930052-G-C.
Other names: c.2016G>C, p.Glu672Asp (NM_001119.5, NM_001354754.2, NM_001354755.2); c.*154G>C (NM_001286645.2, NM_001354757.2, NM_001354758.2 and 4 more transcripts); c.2109G>C, p.Glu703Asp (NM_001354756.2, NM_014189.4); short protein forms E672D, E703D, E734D.
Identifiers: ClinVar variation 5020829 (VCV005020829.1).

ClinVar aggregate classification (germline): Uncertain significance (1 of 4 stars; one submission).

Submission:

Dasa
Classification: Uncertain significance. Last evaluated: 2025-10-16. Review status: criteria provided, single submitter. Criteria: DASA Assertion Criteria. Collection method: clinical testing. Allele origin: germline.
Comment: NM_001354761.2(ADD1):c.2202G>C (p.Glu734Asp) is a missense variant that results in the substitution of glutamic acid with aspartic acid. This variant is absent from population databases. Computational prediction algorithms are consistent with a benign effect. The currently available literature and clinical evidence are not sufficient to establish a definitive association between this variant and the reported condition. Therefore, this variant is classified as a variant of uncertain significance.